The following is an entry in ClinVar:

ClinVar aggregate classification (germline): Pathogenic (1 of 4 stars; one submission).

Conditions:
Pyknodysostosis. Also called: Pycnodysostosis. Identifiers: Orphanet 763, MedGen C0238402, MONDO:0009940, OMIM 265800.

Submission:

Myriad Genetics, Inc.
Classification: Pathogenic for Pyknodysostosis. Last evaluated: 2024-08-03. Review status: criteria provided, single submitter. Criteria: Myriad Autosomal Dominant, Autosomal Recessive and X-Linked Classification Criteria (2023). Collection method: clinical testing. Allele origin: unknown.
Comment: NM_000396.3(CTSK):c.354_357dupTGTC(D120Cfs*25) is expected to be pathogenic in the context of pycnodysostosis. This variant is predicted to lead to an abnormal or absent protein product due to the creation of a premature termination codon in CTSK, a gene where loss-of-function variants are known to be pathogenic. Please note: this variant was assessed in the context of healthy population screening.

NM_000396.4(CTSK):c.354_357dup (p.Asp120fs)

Gene: CTSK (cathepsin K; minus strand). Cytogenetic location: 1q21.3.
Variant type: Duplication.
Coding change: c.354_357dup on transcript NM_000396.4 (MANE Select); coding-DNA positions 354 to 357, 4 bases duplicated (TGTC; older notation c.354_357dupTGTC).
Protein change: p.Asp120fs; shifts the reading frame from aspartic acid 120.
Molecular consequence: frameshift variant.
Genome position (GRCh38, 1-based): chr1:150,805,903-150,805,906, GACA duplicated on the plus strand (TGTC on the coding strand, the reverse complement: CTSK is on the minus strand); duplicating any 4 consecutive bases within chr1:150,805,903-150,805,908 gives the same sequence; the c. name uses the placement nearest the transcript's 3' end. VCF-style (leftmost placement, unchanged base first): chr1-150805902-C-CGACA. GRCh37 (hg19) VCF-style: chr1-150778378-C-CGACA.
Other names: short protein forms D120fs.
Identifiers: ClinVar variation 5013413 (VCV005013413.1).
Genomic context (GRCh38, chr1:150,805,902, plus strand): 5'-CCAGAAGAAAGGAGAGTACCTGATTTTTGACAGGAGTAACATATCCTTTCTTTCGATAGT[C>CGACA]GACAGAGTCTGGGGCTCTACCTTCCCATTCTGGGATATAAAGGGTGTCATTACTGCGGGA-3'